The following is an entry in ClinVar:

NM_001904.4(CTNNB1):c.2085T>C (p.Asp695=)

Gene: CTNNB1 (catenin beta 1; plus strand). Cytogenetic location: 3p22.1.
Variant type: single nucleotide variant.
Coding change: c.2085T>C on transcript NM_001904.4 (MANE Select); coding-DNA position 2085, T replaced by C.
Protein change: p.Asp695=; no amino-acid change (aspartic acid 695 retained).
Molecular consequence: synonymous variant.
Genome position (GRCh38, 1-based): chr3:41,238,024, T>C. VCF-style: chr3-41238024-T-C. GRCh37 (hg19) VCF-style: chr3-41279515-T-C.
Other names: c.2085T>C, p.Asp695= (NM_001098209.2, NM_001098210.2); c.2064T>C, p.Asp688= (NM_001330729.2).
Identifiers: ClinVar variation 710684 (VCV000710684.35), dbSNP rs199856558, ClinGen allele CA2331266.

ClinVar aggregate classification (germline): Likely benign. Review status: criteria provided, multiple submitters, no conflicts (2 of 4 stars). 4 submissions from 4 submitters: Likely benign (4). Last evaluated 2026-09-01.

Allele frequency attached by ClinVar (database versions not stated): TOPMed 0.00002; gnomAD 0.00004 and 0.00005; gnomAD exomes 0.00007 and 0.00009; ExAC 0.00012.
gnomAD v4.1: 110 of 1,613,958 alleles (0.0068%); highest among the groups gnomAD compares: Middle Eastern, 0.099%; no homozygotes.

Submissions (4):

CeGaT Center for Human Genetics Tuebingen
Classification: Likely benign. Last evaluated: 2026-09-01. Review status: criteria provided, single submitter. Criteria: CeGaT Center For Human Genetics Tuebingen Variant Classification Criteria Version 2. Collection method: clinical testing. Allele origin: germline. Affected: yes. Observed: 5 variant alleles.
Comment: CTNNB1: BP4, BP7

Labcorp Genetics (formerly Invitae), Labcorp
Classification: Likely benign. Last evaluated: 2026-01-26. Review status: criteria provided, single submitter. Criteria: Invitae Variant Classification Sherloc (09022015). Collection method: clinical testing. Allele origin: germline.

Blueprint Genetics
Classification: Likely benign. Last evaluated: 2024-10-14. Review status: criteria provided, single submitter. Criteria: ACMG Guidelines, 2015. Collection method: clinical testing. Allele origin: germline.

GeneDx
Classification: Likely benign. Last evaluated: 2021-04-27. Review status: criteria provided, single submitter. Criteria: GeneDx Variant Classification Process June 2021. Collection method: clinical testing. Allele origin: germline. Affected: yes.